The following is an entry in ClinVar:

NM_005051.3(QARS1):c.2092C>T (p.His698Tyr)

Gene: QARS1 (glutaminyl-tRNA synthetase 1; minus strand). Cytogenetic location: 3p21.31.
Variant type: single nucleotide variant.
Coding change: c.2092C>T on transcript NM_005051.3 (MANE Select); coding-DNA position 2092, C replaced by T.
Protein change: p.His698Tyr; replaces histidine 698 with tyrosine.
Molecular consequence: missense variant. On other transcripts: non-coding transcript variant (1).
Genome position (GRCh38, 1-based): chr3:49,098,251, G>A on the plus strand (C>T on the coding strand, the complement: QARS1 is on the minus strand). VCF-style: chr3-49098251-G-A. GRCh37 (hg19) VCF-style: chr3-49135684-G-A.
Other names: c.2059C>T, p.His687Tyr (NM_001272073.2); short protein forms H687Y, H698Y.
Identifiers: ClinVar variation 2116318 (VCV002116318.4), dbSNP rs369669069, ClinGen allele CA74472295.

ClinVar aggregate classification (germline): Uncertain significance (1 of 4 stars; one submission).

Conditions:
Diffuse cerebral and cerebellar atrophy - intractable seizures - progressive microcephaly syndrome. Also called: Microcephaly, progressive, with seizures and cerebral and cerebellar atrophy. Identifiers: Orphanet 404437, MedGen C4014239, MONDO:0014335, OMIM 615760.

Allele frequency attached by ClinVar (database versions not stated): gnomAD 0.00001; gnomAD exomes 0.00001; TOPMed 0.00002; ESP Exome Variant Server 0.00008.
gnomAD v4.1: 12 of 1,614,056 alleles (0.00074%); highest among the groups gnomAD compares: African/African-American, 0.0027%; no homozygotes.

Submission:

Labcorp Genetics (formerly Invitae), Labcorp
Classification: Uncertain significance for Diffuse cerebral and cerebellar atrophy - intractable seizures - progressive microcephaly syndrome. Last evaluated: 2022-03-23. Review status: criteria provided, single submitter. Criteria: Invitae Variant Classification Sherloc (09022015). Collection method: clinical testing. Allele origin: germline.
Comment: In summary, the available evidence is currently insufficient to determine the role of this variant in disease. Therefore, it has been classified as a Variant of Uncertain Significance. Algorithms developed to predict the effect of missense changes on protein structure and function are either unavailable or do not agree on the potential impact of this missense change (SIFT: "Tolerated"; PolyPhen-2: "Probably Damaging"; Align-GVGD: "Class C0"). This variant has not been reported in the literature in individuals affected with QARS-related conditions. This variant is present in population databases (rs369669069, gnomAD 0.003%). This sequence change replaces histidine, which is basic and polar, with tyrosine, which is neutral and polar, at codon 698 of the QARS protein (p.His698Tyr).